The following is an entry in ClinVar:

NM_078480.3(PUF60):c.1658A>G (p.Asp553Gly)

Gene: PUF60 (poly(U) binding splicing factor 60; minus strand). Cytogenetic location: 8q24.3.
Variant type: single nucleotide variant.
Coding change: c.1658A>G on transcript NM_078480.3 (MANE Select); coding-DNA position 1658, A replaced by G.
Protein change: p.Asp553Gly; replaces aspartic acid 553 with glycine.
Molecular consequence: missense variant.
Genome position (GRCh38, 1-based): chr8:143,816,542, T>C on the plus strand (A>G on the coding strand, the complement: PUF60 is on the minus strand). VCF-style: chr8-143816542-T-C. GRCh37 (hg19) VCF-style: chr8-144898712-T-C.
Other names: c.1529A>G, p.Asp510Gly (NM_001136033.3); c.1604A>G, p.Asp535Gly (NM_001271096.2); c.1520A>G, p.Asp507Gly (NM_001271097.2); c.1655A>G, p.Asp552Gly (NM_001271098.2); c.1571A>G, p.Asp524Gly (NM_001271099.2); c.1478A>G, p.Asp493Gly (NM_001271100.2); c.1769A>G, p.Asp590Gly (NM_001362895.2, NM_001362896.2); c.1718A>G, p.Asp573Gly (NM_001362897.2); and 1 more; short protein forms D493G, D507G, D510G, D524G, D535G, D536G, D552G, D553G.
Identifiers: ClinVar variation 2690939 (VCV002690939.2), dbSNP rs758941113, ClinGen allele CA187615508.
Genomic context (GRCh38, chr8:143,816,542, plus strand): 5'-ACAAGGAACAAGTGCAAGTCCGGGGAGAGGGACCACTGTCACGCAGAGAGGTCACTGTTA[T>C]CAAAACGCTCCTGGTCGTACACTTCAGCCACCACCTTGCGGCCAGCAAACCAGCGGCCAT-3'
Protein context (NP_510965.1, residues 543-559): VAEVYDQERF[Asp553Gly]NSDLSA

ClinVar aggregate classification (germline): Pathogenic (0 of 4 stars; one submission).

Conditions:
Intellectual disability-cardiac anomalies-short stature-joint laxity syndrome. Identifiers: Orphanet 508498, MedGen C5568572, MONDO:0034989.

Allele frequency attached by ClinVar (database versions not stated): gnomAD exomes below 0.00001; ExAC 0.00001.
gnomAD v4.1: 4 of 1,611,722 alleles (0.00025%); highest among the groups gnomAD compares: East Asian, 0.0022%; no homozygotes.

Submission:

Division of Pediatric Neurology, Department of Pediatrics, University Hospital Cologne
Classification: Pathogenic for Intellectual disability-cardiac anomalies-short stature-joint laxity syndrome. Review status: no assertion criteria provided. Collection method: clinical testing. Allele origin: de novo. Affected: yes. Observed: 1 heterozygote.
Comment: The de novo heterozygous c.1658A>G, (p.Asp553Gly) variant was absent from healthy population databases (gnomAD v.3.1.2). This variant likely results in a change in the protein structure with high pathogenicity prediction tool scores. A previous study has reported a similar phenotype with a missense variant located closely to this variant in a highly evolutionary conserved region (Grimes et al., 2023).

Literature cited by the submitters: DOI 10.1002/ajmg.a.63313.